The following is an entry in ClinVar:

NM_033305.3(VPS13A):c.925G>A (p.Ala309Thr)

Gene: VPS13A (vacuolar protein sorting 13 homolog A; plus strand). Cytogenetic location: 9q21.2.
Variant type: single nucleotide variant.
Coding change: c.925G>A on transcript NM_033305.3 (MANE Select); coding-DNA position 925, G replaced by A.
Protein change: p.Ala309Thr; replaces alanine 309 with threonine.
Molecular consequence: missense variant.
Genome position (GRCh38, 1-based): chr9:77,220,319, G>A. VCF-style: chr9-77220319-G-A. GRCh37 (hg19) VCF-style: chr9-79835235-G-A.
Other names: c.925G>A, p.Ala309Thr (NM_001018037.2, NM_001018038.3, NM_015186.4); short protein forms A309T.
Identifiers: ClinVar variation 1999003 (VCV001999003.4), dbSNP rs2537598495, ClinGen allele CA373843405.

ClinVar aggregate classification (germline): Uncertain significance (1 of 4 stars; one submission).

Allele frequency attached by ClinVar (database versions not stated): gnomAD exomes below 0.00001.
gnomAD v4.1: 1 of 1,612,072 alleles (0.000062%); highest among the groups gnomAD compares: Non-Finnish European, 0.000085%; no homozygotes.

Submission:

Labcorp Genetics (formerly Invitae), Labcorp
Classification: Uncertain significance. Last evaluated: 2024-02-24. Review status: criteria provided, single submitter. Criteria: Invitae Variant Classification Sherloc (09022015). Collection method: clinical testing. Allele origin: germline.
Comment: This sequence change replaces alanine, which is neutral and non-polar, with threonine, which is neutral and polar, at codon 309 of the VPS13A protein (p.Ala309Thr). This variant is not present in population databases (gnomAD no frequency). This variant has not been reported in the literature in individuals affected with VPS13A-related conditions. ClinVar contains an entry for this variant (Variation ID: 1999003). Algorithms developed to predict the effect of missense changes on protein structure and function output the following: SIFT: "Not Available"; PolyPhen-2: "Benign"; Align-GVGD: "Not Available". The threonine amino acid residue is found in multiple mammalian species, which suggests that this missense change does not adversely affect protein function. In summary, the available evidence is currently insufficient to determine the role of this variant in disease. Therefore, it has been classified as a Variant of Uncertain Significance.